The following is an entry in ClinVar:

NM_144999.4(LRRC45):c.675C>T (p.Gly225=)

Gene: LRRC45 (leucine rich repeat containing 45; plus strand). Cytogenetic location: 17q25.3.
Variant type: single nucleotide variant.
Coding change: c.675C>T on transcript NM_144999.4 (MANE Select); coding-DNA position 675, C replaced by T.
Protein change: p.Gly225=; no amino-acid change (glycine 225 retained).
Molecular consequence: synonymous variant.
Genome position (GRCh38, 1-based): chr17:82,026,912, C>T. VCF-style: chr17-82026912-C-T. GRCh37 (hg19) VCF-style: chr17-79984788-C-T.
Identifiers: ClinVar variation 4982034 (VCV004982034.1).

ClinVar aggregate classification (germline): Likely benign (1 of 4 stars; one submission).

Conditions:
LRRC45-related disorder. Also called: LRRC45-related condition.

gnomAD v4.1: 1 of 1,604,692 alleles (0.000062%); highest among the groups gnomAD compares: Non-Finnish European, 0.000085%; no homozygotes.

Submission:

PreventionGenetics, part of Exact Sciences
Classification: Likely benign for LRRC45-related condition. Last evaluated: 2026-04-21. Review status: criteria provided, single submitter. Criteria: ACMG Guidelines, 2015. Collection method: clinical testing. Allele origin: germline.
Comment: This variant is classified as likely benign based on ACMG/AMP sequence variant interpretation guidelines (Richards et al. 2015 PMID: 25741868, with internal and published modifications).